The following is an entry in ClinVar:

ClinVar aggregate classification (germline): Uncertain significance (1 of 4 stars; one submission).

Allele frequency attached by ClinVar (database versions not stated): gnomAD exomes 0.00001; gnomAD 0.00002; TOPMed 0.00003.
gnomAD v4.1: 13 of 1,611,392 alleles (0.00081%); highest among the groups gnomAD compares: Admixed American, 0.0033%; no homozygotes.

Submission:

Labcorp Genetics (formerly Invitae), Labcorp
Classification: Uncertain significance. Last evaluated: 2024-10-23. Review status: criteria provided, single submitter. Criteria: Invitae Variant Classification Sherloc (09022015). Collection method: clinical testing. Allele origin: germline.
Comment: This sequence change replaces alanine, which is neutral and non-polar, with threonine, which is neutral and polar, at codon 103 of the NBAS protein (p.Ala103Thr). This variant is present in population databases (no rsID available, gnomAD 0.002%). This variant has not been reported in the literature in individuals affected with NBAS-related conditions. ClinVar contains an entry for this variant (Variation ID: 2168366). Invitae Evidence Modeling of protein sequence and biophysical properties (such as structural, functional, and spatial information, amino acid conservation, physicochemical variation, residue mobility, and thermodynamic stability) indicates that this missense variant is not expected to disrupt NBAS protein function with a negative predictive value of 95%. In summary, the available evidence is currently insufficient to determine the role of this variant in disease. Therefore, it has been classified as a Variant of Uncertain Significance.

NM_015909.4(NBAS):c.307G>A (p.Ala103Thr)

Gene: NBAS (NBAS subunit of NRZ tethering complex; minus strand). Cytogenetic location: 2p24.3.
Variant type: single nucleotide variant.
Coding change: c.307G>A on transcript NM_015909.4 (MANE Select); coding-DNA position 307, G replaced by A.
Protein change: p.Ala103Thr; replaces alanine 103 with threonine.
Molecular consequence: missense variant. On other transcripts: non-coding transcript variant (1).
Genome position (GRCh38, 1-based): chr2:15,553,454, C>T on the plus strand (G>A on the coding strand, the complement: NBAS is on the minus strand). VCF-style: chr2-15553454-C-T. GRCh37 (hg19) VCF-style: chr2-15693578-C-T.
Other names: short protein forms A103T.
Identifiers: ClinVar variation 2168366 (VCV002168366.3), dbSNP rs921132883, ClinGen allele CA42659573.